The following is an entry in ClinVar:

ClinVar aggregate classification (germline): Uncertain significance (1 of 4 stars; one submission).

Conditions:
Cardiovascular phenotype. Identifiers: MedGen CN230736.

Allele frequency attached by ClinVar (database versions not stated): gnomAD exomes below 0.00001; TOPMed below 0.00001.
gnomAD v4.1: 3 of 1,613,962 alleles (0.00019%); highest among the groups gnomAD compares: Non-Finnish European, 0.00025%; no homozygotes.

Submission:

Ambry Genetics
Classification: Uncertain significance for Cardiovascular phenotype. Last evaluated: 2019-01-28. Review status: criteria provided, single submitter. Criteria: Ambry Variant Classification Scheme 2023. Collection method: clinical testing. Allele origin: germline.
Comment: The p.L44V variant (also known as c.130C>G), located in coding exon 2 of the CACNA2D1 gene, results from a C to G substitution at nucleotide position 130. The leucine at codon 44 is replaced by valine, an amino acid with highly similar properties. This amino acid position is highly conserved in available vertebrate species. In addition, this alteration is predicted to be tolerated by in silico analysis. Since supporting evidence is limited at this time, the clinical significance of this alteration remains unclear.

NM_000722.4(CACNA2D1):c.130C>G (p.Leu44Val)

Gene: CACNA2D1 (calcium voltage-gated channel auxiliary subunit alpha2delta 1; minus strand). Cytogenetic location: 7q21.11.
Variant type: single nucleotide variant.
Coding change: c.130C>G on transcript NM_000722.4 (MANE Select); coding-DNA position 130, C replaced by G.
Protein change: p.Leu44Val; replaces leucine 44 with valine.
Molecular consequence: missense variant.
Genome position (GRCh38, 1-based): chr7:82,349,615, G>C on the plus strand (C>G on the coding strand, the complement: CACNA2D1 is on the minus strand). VCF-style: chr7-82349615-G-C. GRCh37 (hg19) VCF-style: chr7-81978931-G-C.
Other names: c.130C>G, p.Leu44Val (NM_001302890.2, NM_001366867.1); short protein forms L44V.
Identifiers: ClinVar variation 1769616 (VCV001769616.2), dbSNP rs1819617403, ClinGen allele CA368018106.